The following is an entry in ClinVar:

ClinVar aggregate classification (germline): Uncertain significance (1 of 4 stars; one submission).

Conditions:
Arrhythmogenic cardiomyopathy with wooly hair and keratoderma. Also called: Dilated cardiomyopathy with woolly hair and keratoderma; PALMOPLANTAR KERATODERMA WITH LEFT VENTRICULAR CARDIOMYOPATHY AND WOOLLY HAIR; Carvajal syndrome; Arrhythmogenic cardiomyopathy with woolly hair and keratoderma. Identifiers: Orphanet 65282, MedGen C1854063, MONDO:0011581, OMIM 605676.
Arrhythmogenic right ventricular dysplasia 8 (ARVD8). Also called: Arrhythmogenic Right Ventricular Dysplasia/Cardiomyopathy 8; ARRHYTHMOGENIC RIGHT VENTRICULAR DYSPLASIA, FAMILIAL, 8; ARRHYTHMOGENIC RIGHT VENTRICULAR CARDIOMYOPATHY 8. Identifiers: MedGen C1843896, MONDO:0011831, OMIM 607450.

gnomAD v4.1: 1 of 1,613,810 alleles (0.000062%); highest among the groups gnomAD compares: Non-Finnish European, 0.000085%; no homozygotes.

Submission:

Labcorp Genetics (formerly Invitae), Labcorp
Classification: Uncertain significance for Arrhythmogenic cardiomyopathy with wooly hair and keratoderma; Arrhythmogenic right ventricular dysplasia 8. Last evaluated: 2025-01-22. Review status: criteria provided, single submitter. Criteria: Invitae Variant Classification Sherloc (09022015). Collection method: clinical testing. Allele origin: germline.
Comment: This sequence change disrupts the translational stop signal of the DSP mRNA. It is expected to extend the length of the DSP protein by 1 additional amino acid residues. This variant is not present in population databases (gnomAD no frequency). This variant has not been reported in the literature in individuals affected with DSP-related conditions. Experimental studies and prediction algorithms are not available or were not evaluated, and the functional significance of this variant is currently unknown. In summary, the available evidence is currently insufficient to determine the role of this variant in disease. Therefore, it has been classified as a Variant of Uncertain Significance.

NM_004415.4(DSP):c.8615A>G (p.Ter2872Trp)

Gene: DSP (desmoplakin; plus strand). Cytogenetic location: 6p24.3.
Variant type: single nucleotide variant.
Coding change: c.8615A>G on transcript NM_004415.4 (MANE Select); coding-DNA position 8615, A replaced by G.
Protein change: p.Ter2872Trp.
Molecular consequence: stop lost.
Genome position (GRCh38, 1-based): chr6:7,585,877, A>G. VCF-style: chr6-7585877-A-G. GRCh37 (hg19) VCF-style: chr6-7586110-A-G.
Other names: c.6818A>G, p.Ter2273Trp (NM_001008844.3); c.7286A>G, p.Ter2429Trp (NM_001319034.2).
Identifiers: ClinVar variation 3752986 (VCV003752986.2).